The following is an entry in ClinVar:

ClinVar aggregate classification (germline): Uncertain significance (1 of 4 stars; one submission).

gnomAD v4.1: 8 of 1,597,972 alleles (0.0005%); highest among the groups gnomAD compares: African/African-American, 0.0067%; no homozygotes.

Submission:

Women's Health and Genetics/Laboratory Corporation of America, LabCorp
Classification: Uncertain significance. Last evaluated: 2024-06-24. Review status: criteria provided, single submitter. Criteria: LabCorp Variant Classification Summary - May 2015. Collection method: clinical testing. Allele origin: germline.
Comment: Variant summary: TTN c.15697C>G (p.Gln5233Glu) results in a conservative amino acid change located in the I band region of the encoded protein sequence. Two of two in-silico tools predict a benign effect of the variant on protein function. Consensus agreement among computation tools predict no significant impact on normal splicing. However, these predictions have yet to be confirmed by functional studies. The variant allele was found at a frequency of 4.3e-06 in 230366 control chromosomes. The available data on variant occurrences in the general population are insufficient to allow any conclusion about variant significance. To our knowledge, no occurrence of c.15697C>G in individuals affected with Limb-Girdle Muscular Dystrophy, Type 2J and no experimental evidence demonstrating its impact on protein function have been reported. No submitters have cited clinical-significance assessments for this variant to ClinVar. Based on the evidence outlined above, the variant was classified as uncertain significance.

NM_001267550.2(TTN):c.19429C>G (p.Gln6477Glu)

Gene: TTN (titin; minus strand). Cytogenetic location: 2q31.2.
Variant type: single nucleotide variant.
Coding change: c.19429C>G on transcript NM_001267550.2 (MANE Select); coding-DNA position 19429, C replaced by G.
Protein change: p.Gln6477Glu; replaces glutamine 6477 with glutamic acid.
Molecular consequence: missense variant. On other transcripts: intron variant (3).
Genome position (GRCh38, 1-based): chr2:178,728,395, G>C on the plus strand (C>G on the coding strand, the complement: TTN is on the minus strand). VCF-style: chr2-178728395-G-C. GRCh37 (hg19) VCF-style: chr2-179593122-G-C.
Other names: c.18478C>G, p.Gln6160Glu (NM_001256850.1); c.15697C>G, p.Gln5233Glu (NM_133378.4); c.13282+9687C>G (NM_003319.4); c.13858+9687C>G (NM_133437.4); c.13657+9687C>G (NM_133432.3); short protein forms Q5233E, Q6160E, Q6477E.
Identifiers: ClinVar variation 3339838 (VCV003339838.1).